The following is an entry in ClinVar:

NM_001367233.3(HEPH):c.2077+15A>G

Gene: HEPH (hephaestin; plus strand). Cytogenetic location: Xq12.
Variant type: single nucleotide variant.
Coding change: c.2077+15A>G on transcript NM_001367233.3 (MANE Select); 15 bases into the intron after coding-DNA position 2077, A replaced by G.
Molecular consequence: intron variant.
Genome position (GRCh38, 1-based): chrX:66,200,767, A>G. VCF-style: chrX-66200767-A-G. GRCh37 (hg19) VCF-style: chrX-65420609-A-G.
Other names: c.2077+15A>G (NM_138737.6, NM_001367232.3, NM_001130860.6 and 3 more transcripts); c.1276+15A>G (NM_001367242.2, NM_014799.4); c.1864+1739A>G (NM_001367238.3, NM_001367239.3); c.1502-2597A>G (NM_001282141.3, NM_001367243.3); c.2071+15A>G (NM_001367236.3).
Identifiers: ClinVar variation 3256805 (VCV003256805.2).

ClinVar aggregate classification (germline): Benign (1 of 4 stars; one submission).

Submission:

Unidad de Genómica Garrahan, Hospital de Pediatría Garrahan
Classification: Benign. Last evaluated: 2024-07-31. Review status: criteria provided, single submitter. Criteria: ACMG Guidelines, 2015. Collection method: clinical testing. Allele origin: germline. Affected: no. Observed: 92 variant alleles.
Comment: This variant is classified as Benign based on local population frequency. This variant was detected in 99% of patients studied in a panel designed for Epileptic and Developmental Encephalopathy, Progressive Myoclonus Epilepsy and Abnormal Movements and Neurodegeneration with brain iron accumulation. Number of patients: 92. Only high quality variants are reported.